The following is an entry in ClinVar:

ClinVar aggregate classification (germline): Benign/Likely benign. Review status: criteria provided, multiple submitters, no conflicts (2 of 4 stars). 4 submissions from 4 submitters: Benign (1); Likely benign (2). 1 of the submissions does not count toward it. Last evaluated 2025-05-14.

Conditions:
RRAS-related disorder. Also called: RRAS-related condition.
Noonan syndrome (NS). Also called: Noonan's syndrome. Identifiers: Orphanet 648, MedGen C0028326, MeSH D009634, MONDO:0018997. Disease mechanism: gain of function.

Allele frequency attached by ClinVar (database versions not stated): gnomAD 0.00001; TOPMed 0.00002; ExAC 0.00006.

Submissions (4):

Labcorp Genetics (formerly Invitae), Labcorp
Classification: Likely benign for Noonan syndrome. Last evaluated: 2025-05-14. Review status: criteria provided, single submitter. Criteria: Invitae Variant Classification Sherloc (09022015). Collection method: clinical testing. Allele origin: germline.

Women's Health and Genetics/Laboratory Corporation of America, LabCorp
Classification: Benign. Last evaluated: 2025-01-06. Review status: criteria provided, single submitter. Criteria: LabCorp Variant Classification Summary - May 2015. Collection method: clinical testing. Allele origin: germline.
Comment: Variant summary: RRAS c.454-4C>T alters a nucleotide located close to a canonical splice site and therefore could affect mRNA splicing, leading to a significantly altered protein sequence. Consensus agreement among computation tools predict no significant impact on normal splicing. However, these predictions have yet to be confirmed by functional studies. The variant allele was found at a frequency of 5.8e-05 in 205226 control chromosomes. The observed variant frequency is approximately 23 fold of the estimated maximal expected allele frequency for a pathogenic variant in RRAS causing Noonan Syndrome And Related Conditions phenotype (2.5e-06). To our knowledge, no occurrence of c.454-4C>T in individuals affected with Noonan Syndrome And Related Conditions and no experimental evidence demonstrating its impact on protein function have been reported. ClinVar contains an entry for this variant (Variation ID: 2051891). Based on the evidence outlined above, the variant was classified as benign.

Blueprint Genetics
Classification: Likely benign. Last evaluated: 2024-02-26. Review status: criteria provided, single submitter. Criteria: ACMG Guidelines, 2015. Collection method: clinical testing. Allele origin: germline.

PreventionGenetics, part of Exact Sciences
Classification: Likely benign for RRAS-related condition. Last evaluated: 2024-09-11. Review status: no assertion criteria provided. Collection method: clinical testing. Allele origin: germline. Not counted in ClinVar's aggregate classification.
Comment: This variant is classified as likely benign based on ACMG/AMP sequence variant interpretation guidelines (Richards et al. 2015 PMID: 25741868, with internal and published modifications).

NM_006270.5(RRAS):c.454-4C>T

Gene: RRAS (RAS related; minus strand). Cytogenetic location: 19q13.33.
Variant type: single nucleotide variant.
Coding change: c.454-4C>T on transcript NM_006270.5 (MANE Select); 4 bases into the intron before coding-DNA position 454, C replaced by T.
Molecular consequence: intron variant.
Genome position (GRCh38, 1-based): chr19:49,635,856, G>A on the plus strand (C>T on the coding strand, the complement: RRAS is on the minus strand). VCF-style: chr19-49635856-G-A. GRCh37 (hg19) VCF-style: chr19-50139113-G-A.
Other names: c.454-4C>T (NM_006270.4).
Identifiers: ClinVar variation 2051891 (VCV002051891.8), dbSNP rs749106517, ClinGen allele CA9578991.